The following is an entry in ClinVar:

ClinVar aggregate classification (germline): Uncertain significance (1 of 4 stars; one submission).

Conditions:
Cardiovascular phenotype. Identifiers: MedGen CN230736.

gnomAD v4.1: 6 of 1,613,932 alleles (0.00037%); highest among the groups gnomAD compares: South Asian, 0.0011%; no homozygotes.

Submission:

Ambry Genetics
Classification: Uncertain significance for Cardiovascular phenotype. Last evaluated: 2026-07-07. Review status: criteria provided, single submitter. Criteria: Ambry Variant Classification Scheme 2023. Collection method: clinical testing. Allele origin: germline.
Comment: The p.E108K variant (also known as c.322G>A), located in coding exon 4 of the APOB gene, results from a G to A substitution at nucleotide position 322. The glutamic acid at codon 108 is replaced by lysine, an amino acid with similar properties. This amino acid position is conserved. In addition, this alteration is predicted to be tolerated by in silico analysis. Based on the available evidence, the clinical significance of this variant remains unclear.

NM_000384.3(APOB):c.322G>A (p.Glu108Lys)

Gene: APOB (apolipoprotein B; minus strand). Cytogenetic location: 2p24.1.
Variant type: single nucleotide variant.
Coding change: c.322G>A on transcript NM_000384.3 (MANE Select); coding-DNA position 322, G replaced by A.
Protein change: p.Glu108Lys; replaces glutamic acid 108 with lysine.
Molecular consequence: missense variant.
Genome position (GRCh38, 1-based): chr2:21,040,999, C>T on the plus strand (G>A on the coding strand, the complement: APOB is on the minus strand). VCF-style: chr2-21040999-C-T. GRCh37 (hg19) VCF-style: chr2-21263871-C-T.
Other names: short protein forms E108K.
Identifiers: ClinVar variation 5027548 (VCV005027548.1).